The following is an entry in ClinVar:

NM_001349999.2(RBFOX2):c.547C>G (p.Arg183Gly)

Gene: RBFOX2 (RNA binding fox-1 homolog 2; minus strand). Cytogenetic location: 22q12.3.
Variant type: single nucleotide variant.
Coding change: c.547C>G on transcript NM_001349999.2 (MANE Select); coding-DNA position 547, C replaced by G.
Protein change: p.Arg183Gly; replaces arginine 183 with glycine.
Molecular consequence: missense variant.
Genome position (GRCh38, 1-based): chr22:35,781,662, G>C on the plus strand (C>G on the coding strand, the complement: RBFOX2 is on the minus strand). VCF-style: chr22-35781662-G-C. GRCh37 (hg19) VCF-style: chr22-36177709-G-C.
Other names: c.334C>G, p.Arg112Gly (NM_001031695.4, NM_001082576.3, NM_001082577.3 and 2 more transcripts); c.547C>G, p.Arg183Gly (NM_001082578.4, NM_001394109.1, NM_001394112.1 and 1 more transcripts); c.544C>G, p.Arg182Gly (NM_001082579.3, NM_001394108.1, NM_001394110.1 and 3 more transcripts); c.400C>G, p.Arg134Gly (NM_001349982.2, NM_001349989.2, NM_001349990.2 and 4 more transcripts); c.403C>G, p.Arg135Gly (NM_001349996.2); c.337C>G, p.Arg113Gly (NM_001349997.2, NM_014309.4); short protein forms R112G, R113G, R134G, R135G, R182G, R183G.
Identifiers: ClinVar variation 2577591 (VCV002577591.1), dbSNP rs2520855828, ClinGen allele CA411363489.
Genomic context (GRCh38, chr22:35,781,662, plus strand): 5'-CAAACATCTGCCGGAGGTCAGGGTCCCGGAAGCGGAAAGGAATATTAGAGACATGCAGCC[G>C]TTTCGGGGTAGATTTACTCTCTGAATTTTCACTACTTTGTGTCTGTGACTGCTGGCCGTC-3'
Protein context (NP_001336928.2, residues 173-193): ENSESKSTPK[Arg183Gly]LHVSNIPFRF

ClinVar aggregate classification (germline): Uncertain significance (1 of 4 stars; one submission).

Submission:

GeneDx
Classification: Uncertain significance. Last evaluated: 2022-05-13. Review status: criteria provided, single submitter. Criteria: GeneDx Variant Classification Process June 2021. Collection method: clinical testing. Allele origin: germline. Affected: yes.
Comment: Not observed at significant frequency in large population cohorts (gnomAD); In silico analysis supports that this missense variant has a deleterious effect on protein structure/function; Has not been previously published as pathogenic or benign to our knowledge; Variants in candidate genes are classified as variants of uncertain significance in accordance with ACMG guidelines (Richards et al., 2015)